The following is an entry in ClinVar:

ClinVar aggregate classification (germline): Uncertain significance (1 of 4 stars; one submission).

Conditions:
Deficiency of aromatic-L-amino-acid decarboxylase. Also called: AADC DEFICIENCY; DDC DEFICIENCY; DOPA DECARBOXYLASE DEFICIENCY; Aromatic amino acid decarboxylase deficiency; Aromatic L-Amino Acid Decarboxylase Deficiency. Identifiers: Orphanet 35708, MedGen C1291564, MONDO:0012084, OMIM 608643.

Allele frequency attached by ClinVar (database versions not stated): gnomAD exomes below 0.00001.
gnomAD v4.1: 1 of 1,613,236 alleles (0.000062%); highest among the groups gnomAD compares: Non-Finnish European, 0.000085%; no homozygotes.

Submission:

Labcorp Genetics (formerly Invitae), Labcorp
Classification: Uncertain significance for Deficiency of aromatic-L-amino-acid decarboxylase. Last evaluated: 2022-08-19. Review status: criteria provided, single submitter. Criteria: Invitae Variant Classification Sherloc (09022015). Collection method: clinical testing. Allele origin: germline.
Comment: This sequence change replaces arginine, which is basic and polar, with isoleucine, which is neutral and non-polar, at codon 356 of the DDC protein (p.Arg356Ile). This variant is not present in population databases (gnomAD no frequency). This variant has not been reported in the literature in individuals affected with DDC-related conditions. Algorithms developed to predict the effect of missense changes on protein structure and function (SIFT, PolyPhen-2, Align-GVGD) all suggest that this variant is likely to be disruptive. Algorithms developed to predict the effect of sequence changes on RNA splicing suggest that this variant may disrupt the consensus splice site. In summary, the available evidence is currently insufficient to determine the role of this variant in disease. Therefore, it has been classified as a Variant of Uncertain Significance.

NM_001082971.2(DDC):c.1067G>T (p.Arg356Ile)

Gene: DDC (dopa decarboxylase; minus strand). Cytogenetic location: 7p12.2.
Variant type: single nucleotide variant.
Coding change: c.1067G>T on transcript NM_001082971.2 (MANE Select); coding-DNA position 1067, G replaced by T.
Protein change: p.Arg356Ile; replaces arginine 356 with isoleucine.
Molecular consequence: missense variant.
Genome position (GRCh38, 1-based): chr7:50,470,146, C>A on the plus strand (G>T on the coding strand, the complement: DDC is on the minus strand). VCF-style: chr7-50470146-C-A. GRCh37 (hg19) VCF-style: chr7-50537844-C-A.
Other names: c.1067G>T, p.Arg356Ile (NM_000790.4); c.953G>T, p.Arg318Ile (NM_001242886.2); c.923G>T, p.Arg308Ile (NM_001242887.2); c.833G>T, p.Arg278Ile (NM_001242888.2); c.788G>T, p.Arg263Ile (NM_001242889.2); short protein forms R278I, R318I, R263I, R356I, R308I.
Identifiers: ClinVar variation 2063686 (VCV002063686.1), dbSNP rs2534986851, ClinGen allele CA367533567.